The following is an entry in ClinVar:

NM_004252.5(NHERF1):c.33G>T (p.Leu11=)

Genes: NHERF1 (NHERF family PDZ scaffold protein 1; plus strand), SLC9A3R1-AS1 (SLC9A3R1 antisense RNA 1; minus strand). Cytogenetic location: 17q25.1.
Variant type: single nucleotide variant.
Coding change: c.33G>T on transcript NM_004252.5 (MANE Select); coding-DNA position 33, G replaced by T.
Protein change: p.Leu11=; no amino-acid change (leucine 11 retained).
Molecular consequence: synonymous variant.
Genome position (GRCh38, 1-based): chr17:74,748,879, G>T. VCF-style: chr17-74748879-G-T. GRCh37 (hg19) VCF-style: chr17-72745018-G-T.
Identifiers: ClinVar variation 64525 (VCV000064525.3), dbSNP rs387907538, ClinGen allele CA216335.

ClinVar aggregate classification (germline): Uncertain significance (0 of 4 stars; one submission).

Allele frequency attached by ClinVar (database versions not stated): ExAC 0.00001; gnomAD 0.00005 and 0.00006; TOPMed 0.00006; gnomAD exomes 0.00002.
gnomAD v4.1: 172 of 1,596,936 alleles (0.011%); highest among the groups gnomAD compares: Non-Finnish European, 0.014%; no homozygotes.

Submission:

Martin Pollak Laboratory,  Beth Israel Deaconess Medical Center
Classification: Uncertain significance. Review status: no assertion criteria provided. Collection method: not provided. Allele origin: unknown.
Comment: Lower UCa2+ group
ClinVar note: Converted during submission from unknown to Uncertain significance.